The following is an entry in ClinVar:

NM_020975.6(RET):c.2238G>A (p.Leu746=)

Gene: RET (ret proto-oncogene; plus strand). Cytogenetic location: 10q11.21.
Variant type: single nucleotide variant.
Coding change: c.2238G>A on transcript NM_020975.6 (MANE Select); coding-DNA position 2238, G replaced by A.
Protein change: p.Leu746=; no amino-acid change (leucine 746 retained).
Molecular consequence: synonymous variant.
Genome position (GRCh38, 1-based): chr10:43,116,685, G>A. VCF-style: chr10-43116685-G-A. GRCh37 (hg19) VCF-style: chr10-43612133-G-A.
Other names: c.2238G>A, p.Leu746= (NM_000323.2, NM_001406743.1, NM_001406744.1 and 4 more transcripts); c.1476G>A, p.Leu492= (NM_001355216.2); c.2109G>A, p.Leu703= (NM_001406761.1, NM_001406762.1, NM_001406764.1); c.2103G>A, p.Leu701= (NM_001406763.1, NM_001406765.1); c.1950G>A, p.Leu650= (NM_001406766.1, NM_001406767.1, NM_001406770.1); c.1974G>A, p.Leu658= (NM_001406768.1); c.1842G>A, p.Leu614= (NM_001406769.1, NM_001406772.1); c.1800G>A, p.Leu600= (NM_001406771.1, NM_001406773.1); and 10 more.
Identifiers: ClinVar variation 1110138 (VCV001110138.13), dbSNP rs1397237755, ClinGen allele CA469028040.

ClinVar aggregate classification (germline): Likely benign. Review status: criteria provided, multiple submitters, no conflicts (2 of 4 stars). 3 submissions from 3 submitters: Likely benign (3). Last evaluated 2025-07-24.

Conditions:
Hereditary cancer-predisposing syndrome. Also called: Tumor predisposition; Hereditary Cancer Syndrome; Neoplastic Syndromes, Hereditary; Hereditary neoplastic syndrome. Identifiers: Orphanet 140162, MedGen C0027672, MeSH D009386, MONDO:0015356.
Multiple endocrine neoplasia, type 2 (MEN2). Identifiers: Orphanet 653, MedGen C4048306, MONDO:0019003. Disease mechanism: gain of function.

gnomAD v4.1: 2 of 1,613,688 alleles (0.00012%); highest among the groups gnomAD compares: African/African-American, 0.0027%; no homozygotes.

Submissions (3):

Labcorp Genetics (formerly Invitae), Labcorp
Classification: Likely benign for Multiple endocrine neoplasia, type 2. Last evaluated: 2025-07-24. Review status: criteria provided, single submitter. Criteria: Invitae Variant Classification Sherloc (09022015). Collection method: clinical testing. Allele origin: germline.

All of Us Research Program, National Institutes of Health
Classification: Likely benign for Multiple endocrine neoplasia, type 2. Last evaluated: 2023-08-15. Review status: criteria provided, single submitter. Criteria: ACMG Guidelines, 2015. Collection method: clinical testing. Allele origin: germline. Inheritance: Autosomal dominant inheritance. Observed: 1 variant allele, 1 heterozygote.
Comment: This study involves interpretation of variants in research participants for the purpose of population health screening. Participant phenotype was not available at the time of variant classification. Additional details can be found in publication PMID: 35346344, PMCID: PMC8962531

Ambry Genetics
Classification: Likely benign for Hereditary cancer-predisposing syndrome. Last evaluated: 2022-07-19. Review status: criteria provided, single submitter. Criteria: Ambry Variant Classification Scheme 2023. Collection method: clinical testing. Allele origin: germline.